The following is an entry in ClinVar:

NM_182961.4(SYNE1):c.22452A>G (p.Ser7484=)

Gene: SYNE1 (spectrin repeat containing nuclear envelope protein 1; minus strand). Cytogenetic location: 6q25.2.
Variant type: single nucleotide variant.
Coding change: c.22452A>G on transcript NM_182961.4 (MANE Select); coding-DNA position 22452, A replaced by G.
Protein change: p.Ser7484=; no amino-acid change (serine 7484 retained).
Molecular consequence: synonymous variant.
Genome position (GRCh38, 1-based): chr6:152,213,654, T>C on the plus strand (A>G on the coding strand, the complement: SYNE1 is on the minus strand). VCF-style: chr6-152213654-T-C. GRCh37 (hg19) VCF-style: chr6-152534789-T-C.
Other names: p.Ser7413=; c.22239A>G, p.Ser7413= (NM_033071.5).
Identifiers: ClinVar variation 130420 (VCV000130420.27), dbSNP rs36044575, ClinGen allele CA155407.

ClinVar aggregate classification (germline): Benign/Likely benign. Review status: criteria provided, multiple submitters, no conflicts (2 of 4 stars). 12 submissions from 11 submitters: Benign (6); Likely benign (2). 4 of the submissions do not count toward it. Last evaluated 2026-02-02.

Conditions:
Emery-Dreifuss muscular dystrophy 4, autosomal dominant (EDMD4). Also called: EMERY-DREIFUSS MUSCULAR DYSTROPHY 4 WITH VARIABLE FEATURES. Identifiers: Orphanet 261, MedGen C2751807, MONDO:0013071, OMIM 612998.
Autosomal recessive ataxia, Beauce type. Also called: SYNE1-Related Autosomal Recessive Cerebellar Ataxia; ATAXIA, RECESSIVE, OF BEAUCE; Spinocerebellar ataxia, autosomal recessive 8; SYNE1 Deficiency. Identifiers: Orphanet 88644, MedGen C1853116, MONDO:0012549, OMIM 610743.

Allele frequency attached by ClinVar (database versions not stated): 1000 Genomes Project 30x 0.01327; ExAC 0.02601; 1000 Genomes Project 0.01358; TOPMed 0.01755; gnomAD 0.02480 and 0.02562; gnomAD exomes 0.02597 and 0.02976; ESP Exome Variant Server 0.02176.
gnomAD v4.1: 46,812 of 1,614,110 alleles (2.9%); highest among the groups gnomAD compares: Non-Finnish European, 3.2%; 944 homozygotes.

Submissions (12):

Labcorp Genetics (formerly Invitae), Labcorp
Classification: Benign for Emery-Dreifuss muscular dystrophy 4, autosomal dominant; Autosomal recessive ataxia, Beauce type. Last evaluated: 2026-02-02. Review status: criteria provided, single submitter. Criteria: Invitae Variant Classification Sherloc (09022015). Collection method: clinical testing. Allele origin: germline.

Athena Diagnostics
Classification: Benign. Last evaluated: 2019-04-23. Review status: criteria provided, single submitter. Criteria: Athena Diagnostics Criteria. Collection method: clinical testing. Allele origin: germline.

Illumina Laboratory Services, Illumina
Classification: Benign for Autosomal recessive ataxia, Beauce type. Last evaluated: 2018-01-13. Review status: criteria provided, single submitter. Criteria: ICSL Variant Classification Criteria 13 December 2019. Collection method: clinical testing. Allele origin: germline.
Comment: This variant was observed in the ICSL laboratory as part of a predisposition screen in an ostensibly healthy population. It had not been previously curated by ICSL or reported in the Human Gene Mutation Database (HGMD: prior to June 1st, 2018), and was therefore a candidate for classification through an automated scoring system. Utilizing variant allele frequency, disease prevalence and penetrance estimates, and inheritance mode, an automated score was calculated to assess if this variant is too frequent to cause the disease. Based on the score and internal cut-off values, a variant classified as benign is not then subjected to further curation. The score for this variant resulted in a classification of benign for this disease.

Illumina Laboratory Services, Illumina
Classification: Benign for Emery-Dreifuss muscular dystrophy 4, autosomal dominant. Last evaluated: 2018-01-13. Review status: criteria provided, single submitter. Criteria: ICSL Variant Classification Criteria 13 December 2019. Collection method: clinical testing. Allele origin: germline.
Comment: the same text as in the submission from Illumina Laboratory Services, Illumina above.

Mayo Clinic Laboratories, Mayo Clinic
Classification: Benign. Last evaluated: 2017-12-18. Review status: criteria provided, single submitter. Criteria: ACMG Guidelines, 2015. Collection method: clinical testing. Allele origin: germline. Observed: 51 variant alleles.

GeneDx
Classification: Benign. Last evaluated: 2016-03-07. Review status: criteria provided, single submitter. Criteria: GeneDx Variant Classification (06012015). Collection method: clinical testing. Allele origin: germline. Affected: yes.
Comment: This variant is considered likely benign or benign based on one or more of the following criteria: it is a conservative change, it occurs at a poorly conserved position in the protein, it is predicted to be benign by multiple in silico algorithms, and/or has population frequency not consistent with disease.

Breakthrough Genomics
Classification: Likely benign. Review status: criteria provided, single submitter. Criteria: ACMG Guidelines, 2015. Collection method: not provided. Allele origin: germline. Inheritance: Autosomal recessive inheritance. Affected: yes.

PreventionGenetics, part of Exact Sciences
Classification: Likely benign. Review status: criteria provided, single submitter. Criteria: ACMG Guidelines, 2015. Collection method: clinical testing. Allele origin: germline.

Clinical Genetics DNA and cytogenetics Diagnostics Lab, Erasmus MC, Erasmus Medical Center
Classification: Benign. Review status: no assertion criteria provided. Collection method: clinical testing. Allele origin: germline. Affected: yes. Study: VKGL Data-share Consensus. Not counted in ClinVar's aggregate classification.

Clinical Genetics, Academic Medical Center
Classification: Benign. Review status: no assertion criteria provided. Collection method: clinical testing. Allele origin: germline. Affected: yes. Study: VKGL Data-share Consensus. Not counted in ClinVar's aggregate classification.

Genetic Services Laboratory, University of Chicago
Classification: Likely benign for AllHighlyPenetrant. Review status: no assertion criteria provided. Collection method: clinical testing. Allele origin: germline. Inheritance: Autosomal dominant inheritance. Not counted in ClinVar's aggregate classification.
Comment: Likely benign based on allele frequency in 1000 Genomes Project or ESP global frequency and its presence in a patient with a rare or unrelated disease phenotype. NOT Sanger confirmed.

Joint Genome Diagnostic Labs from Nijmegen and Maastricht, Radboudumc and MUMC+
Classification: Benign. Review status: no assertion criteria provided. Collection method: clinical testing. Allele origin: germline. Affected: yes. Study: VKGL Data-share Consensus. Not counted in ClinVar's aggregate classification.